The following is an entry in ClinVar:

NM_020795.4(NLGN2):c.1581C>T (p.Asp527=)

Gene: NLGN2 (neuroligin 2; plus strand). Cytogenetic location: 17p13.1.
Variant type: single nucleotide variant.
Coding change: c.1581C>T on transcript NM_020795.4 (MANE Select); coding-DNA position 1581, C replaced by T.
Protein change: p.Asp527=; no amino-acid change (aspartic acid 527 retained).
Molecular consequence: synonymous variant.
Genome position (GRCh38, 1-based): chr17:7,416,054, C>T. VCF-style: chr17-7416054-C-T. GRCh37 (hg19) VCF-style: chr17-7319373-C-T.
Identifiers: ClinVar variation 717428 (VCV000717428.9), dbSNP rs145456351, ClinGen allele CA8346091.

ClinVar aggregate classification (germline): Benign/Likely benign. Review status: criteria provided, multiple submitters, no conflicts (2 of 4 stars). 2 submissions from 2 submitters: Benign (1); Likely benign (1). Last evaluated 2026-08-01.

Allele frequency attached by ClinVar (database versions not stated): gnomAD exomes 0.00029 and 0.00077; ExAC 0.00103; ESP Exome Variant Server 0.00223; gnomAD 0.00266 and 0.00283; 1000 Genomes Project 30x 0.00281; 1000 Genomes Project 0.00300; TOPMed 0.00311.
gnomAD v4.1: 834 of 1,557,898 alleles (0.054%); highest among the groups gnomAD compares: African/African-American, 0.93%; 9 homozygotes.

Submissions (2):

CeGaT Center for Human Genetics Tuebingen
Classification: Likely benign. Last evaluated: 2026-08-01. Review status: criteria provided, single submitter. Criteria: CeGaT Center For Human Genetics Tuebingen Variant Classification Criteria Version 2. Collection method: clinical testing. Allele origin: germline. Affected: yes. Observed: 2 variant alleles.
Comment: NLGN2: BP4, BP7

Labcorp Genetics (formerly Invitae), Labcorp
Classification: Benign. Last evaluated: 2025-12-17. Review status: criteria provided, single submitter. Criteria: Invitae Variant Classification Sherloc (09022015). Collection method: clinical testing. Allele origin: germline.